The following is an entry in ClinVar:

NM_000392.5(ABCC2):c.3414_3414+1delinsAT

Genes: ABCC2 (ATP binding cassette subfamily C member 2; plus strand), LOC126861013 (CDK7 strongly-dependent group 2 enhancer GRCh37_chr10:101593724-101594923; plus strand). Cytogenetic location: 10q24.2.
Variant type: Indel.
Coding change: c.3414_3414+1delinsAT on transcript NM_000392.5 (MANE Select); coding-DNA position 3414 through the canonical splice donor site of the intron after coding-DNA position 3414, GG replaced by AT.
Molecular consequence: splice donor variant.
Genome position (GRCh38, 1-based): chr10:99,834,535-99,834,536, GG replaced by AT. VCF-style: chr10-99834535-GG-AT. GRCh37 (hg19) VCF-style: chr10-101594292-GG-AT.
Identifiers: ClinVar variation 2742962 (VCV002742962.3), dbSNP rs2493019052, ClinGen allele CA2697558682.
Genomic context (GRCh38, chr10:99,834,535, plus strand): 5'-GGCCACTCCTGTCTTCACCATCATCGTCATTCCTCTTGGCATTATTTATGTATCTGTTCA[GG>AT]TAGGTTTGGAAATGGCTAAGTCATCCTTCCTTCCTCTCTATCTATAAAAGCCCAGCCTCT-3'

ClinVar aggregate classification (germline): Likely pathogenic (1 of 4 stars; one submission).

Submission:

Labcorp Genetics (formerly Invitae), Labcorp
Classification: Likely pathogenic. Last evaluated: 2023-07-13. Review status: criteria provided, single submitter. Criteria: Invitae Variant Classification Sherloc (09022015). Collection method: clinical testing. Allele origin: germline.
Comment: In summary, the currently available evidence indicates that the variant is pathogenic, but additional data are needed to prove that conclusively. Therefore, this variant has been classified as Likely Pathogenic. This variant has not been reported in the literature in individuals affected with ABCC2-related conditions. Information on the frequency of this variant in the gnomAD database is not available, as this variant may be reported differently in the database. This variant results in the deletion of part of exon 24 (c.3414_3414+1delinsAT) of the ABCC2 gene. It is expected to disrupt RNA splicing. Variants that disrupt the donor or acceptor splice site typically lead to a loss of protein function (PMID: 16199547), and loss-of-function variants in ABCC2 are known to be pathogenic (PMID: 9185779, 16549534, 16952291).

Literature cited by the submitters: PubMed 16199547; PubMed 9185779; PubMed 16549534; PubMed 16952291.